The following is an entry in ClinVar:

ClinVar aggregate classification (germline): Uncertain significance (1 of 4 stars; one submission).

Conditions:
Pontocerebellar hypoplasia type 1B. Also called: EXOSC3 Pontocerebellar Hypoplasia. Identifiers: Orphanet 2254, MedGen C3553449, MONDO:0013853, OMIM 614678.

Submission:

Labcorp Genetics (formerly Invitae), Labcorp
Classification: Uncertain significance for Pontocerebellar hypoplasia type 1B. Last evaluated: 2022-05-12. Review status: criteria provided, single submitter. Criteria: Invitae Variant Classification Sherloc (09022015). Collection method: clinical testing. Allele origin: germline.
Comment: This variant, c.291_293del, results in the deletion of 1 amino acid(s) of the EXOSC3 protein (p.Gly98del), but otherwise preserves the integrity of the reading frame. The frequency data for this variant in the population databases is considered unreliable, as metrics indicate poor data quality at this position in the gnomAD database. This variant has not been reported in the literature in individuals affected with EXOSC3-related conditions. Experimental studies and prediction algorithms are not available or were not evaluated, and the functional significance of this variant is currently unknown. In summary, the available evidence is currently insufficient to determine the role of this variant in disease. Therefore, it has been classified as a Variant of Uncertain Significance.

NM_016042.4(EXOSC3):c.285CGG[2] (p.Gly98del)

Genes: EXOSC3 (exosome component 3; minus strand), LOC130001814 (ATAC-STARR-seq lymphoblastoid active region 28402; plus strand). Cytogenetic location: 9p13.2.
Variant type: Microsatellite.
Coding change: c.285CGG[2] on transcript NM_016042.4 (MANE Select); two copies in a row of the 3-base unit CGG starting at c.285; the reference has three copies in a row; one copy, 3 bases deleted.
Protein change: p.Gly98del; deletes glycine 98.
Molecular consequence: inframe deletion.
Genome position (GRCh38, 1-based): chr9:37,784,752-37,784,754, CCG deleted on the plus strand (CGG on the coding strand, the reverse complement: EXOSC3 is on the minus strand); deleting any 3 consecutive bases within chr9:37,784,752-37,784,761 gives the same sequence; the position shown is the placement nearest the transcript's 3' end. VCF-style (leftmost placement, unchanged base first): chr9-37784751-ACCG-A. GRCh37 (hg19) VCF-style: chr9-37784748-ACCG-A.
Other names: c.285CGG[2], p.Gly98del (NM_001002269.2); short protein forms G98del.
Identifiers: ClinVar variation 2183051 (VCV002183051.2), dbSNP rs765425298, ClinGen allele CA5062808.